The following is an entry in ClinVar:

ClinVar aggregate classification (germline): Likely pathogenic. Review status: criteria provided, multiple submitters, no conflicts (2 of 4 stars). 2 submissions from 2 submitters: Likely pathogenic (2). Last evaluated 2022-10-03.

Conditions:
Deficiency of butyryl-CoA dehydrogenase (ACADSD). Also called: ACADS DEFICIENCY; SCADH DEFICIENCY; ACYL-CoA DEHYDROGENASE, SHORT-CHAIN, DEFICIENCY OF; SCAD DEFICIENCY, MILD; SCAD Deficiency; Short-Chain Acyl-CoA Dehydrogenase Deficiency. Identifiers: Orphanet 26792, MedGen C0342783, MONDO:0008722, OMIM 201470. Disease mechanism: May be benign.

Allele frequency attached by ClinVar (database versions not stated): gnomAD exomes below 0.00001; gnomAD 0.00001; TOPMed 0.00002.
gnomAD v4.1: 3 of 1,614,054 alleles (0.00019%); highest among the groups gnomAD compares: African/African-American, 0.0027%; no homozygotes.

Submissions (2):

Labcorp Genetics (formerly Invitae), Labcorp
Classification: Likely pathogenic for Deficiency of butyryl-CoA dehydrogenase. Last evaluated: 2022-10-03. Review status: criteria provided, single submitter. Criteria: Invitae Variant Classification Sherloc (09022015). Collection method: clinical testing. Allele origin: germline.
Comment: In summary, the currently available evidence indicates that the variant is pathogenic, but additional data are needed to prove that conclusively. Therefore, this variant has been classified as Likely Pathogenic. Algorithms developed to predict the effect of sequence changes on RNA splicing suggest that this variant may disrupt the consensus splice site. ClinVar contains an entry for this variant (Variation ID: 644291). This variant has not been reported in the literature in individuals affected with ACADS-related conditions. This variant is present in population databases (no rsID available, gnomAD 0.007%). This sequence change affects an acceptor splice site in intron 5 of the ACADS gene. It is expected to disrupt RNA splicing. Variants that disrupt the donor or acceptor splice site typically lead to a loss of protein function (PMID: 16199547), and loss-of-function variants in ACADS are known to be pathogenic (PMID: 12736383, 18523805).

Revvity Omics, Revvity
Classification: Likely pathogenic for Deficiency of butyryl-CoA dehydrogenase. Last evaluated: 2020-11-03. Review status: criteria provided, single submitter. Criteria: ACMG Guidelines, 2015. Collection method: clinical testing. Allele origin: germline.

Literature cited by the submitters: PubMed 16199547 (cited by Labcorp Genetics (formerly Invitae), Labcorp); PubMed 12736383 (cited by Labcorp Genetics (formerly Invitae), Labcorp); PubMed 18523805 (cited by Labcorp Genetics (formerly Invitae), Labcorp).

NM_000017.4(ACADS):c.625-1G>A

Gene: ACADS (acyl-CoA dehydrogenase short chain; plus strand). Cytogenetic location: 12q24.31.
Variant type: single nucleotide variant.
Coding change: c.625-1G>A on transcript NM_000017.4 (MANE Select); the canonical splice acceptor site of the intron before coding-DNA position 625, G replaced by A.
Molecular consequence: splice acceptor variant.
Genome position (GRCh38, 1-based): chr12:120,738,279, G>A. VCF-style: chr12-120738279-G-A. GRCh37 (hg19) VCF-style: chr12-121176082-G-A.
Other names: c.613-1G>A (NM_001302554.2).
Identifiers: ClinVar variation 644291 (VCV000644291.10), dbSNP rs1452314438, ClinGen allele CA386600743.